The following is an entry in ClinVar:

ClinVar aggregate classification (germline): Pathogenic (1 of 4 stars; one submission).

Conditions:
Waardenburg syndrome type 1 (WS1). Also called: WAARDENBURG SYNDROME WITH DYSTOPIA CANTHORUM; Waardenburg Syndrome Type I. Identifiers: Orphanet 894, MedGen C1847800, MONDO:0008670, OMIM 193500.

Submission:

Institute of Rare Diseases, West China Hospital, Sichuan University
Classification: Pathogenic for Waardenburg syndrome type 1. Last evaluated: 2025-01-09. Review status: criteria provided, single submitter. Criteria: ClinGen HL ACMG Specifications v1. Collection method: research. Allele origin: germline. Affected: yes.
Comment: PM1;PVS1;PP4;PM2_Supporting

NM_181458.4(PAX3):c.729C>G (p.Tyr243Ter)

Gene: PAX3 (paired box 3; minus strand). Cytogenetic location: 2q36.1.
Variant type: single nucleotide variant.
Coding change: c.729C>G on transcript NM_181458.4 (MANE Select); coding-DNA position 729, C replaced by G.
Protein change: p.Tyr243Ter; replaces tyrosine 243 with a stop codon.
Molecular consequence: nonsense.
Genome position (GRCh38, 1-based): chr2:222,232,141, G>C on the plus strand (C>G on the coding strand, the complement: PAX3 is on the minus strand). VCF-style: chr2-222232141-G-C. GRCh37 (hg19) VCF-style: chr2-223096860-G-C.
Other names: c.726C>G, p.Tyr242Ter (NM_001127366.3); c.729C>G, p.Tyr243Ter (NM_181457.4, NM_181459.4, NM_181460.4 and 1 more transcripts); short protein forms Y242*, Y243*.
Identifiers: ClinVar variation 3601588 (VCV003601588.1).